The following is an entry in ClinVar:

ClinVar aggregate classification (germline): Likely benign. Review status: criteria provided, single submitter (1 of 4 stars). 2 submissions from 2 submitters: Likely benign (1). 1 of the submissions does not count toward it. Last evaluated 2023-02-01.

Conditions:
MYCBP2-related disorder. Also called: MYCBP2-related condition.

Allele frequency attached by ClinVar (database versions not stated): ExAC 0.00046; ESP Exome Variant Server 0.00054; gnomAD 0.00058; TOPMed 0.00060; gnomAD exomes 0.00106.
gnomAD v4.1: 1,616 of 1,613,412 alleles (0.1%); highest among the groups gnomAD compares: Non-Finnish European, 0.13%; 1 homozygote.

Submissions (2):

CeGaT Center for Human Genetics Tuebingen
Classification: Likely benign. Last evaluated: 2023-02-01. Review status: criteria provided, single submitter. Criteria: CeGaT Center For Human Genetics Tuebingen Variant Classification Criteria Version 2. Collection method: clinical testing. Allele origin: germline. Affected: yes. Observed: 1 variant allele.
Comment: MYCBP2: BP4, BP7

PreventionGenetics, part of Exact Sciences
Classification: Likely benign for MYCBP2-related condition. Last evaluated: 2019-02-26. Review status: no assertion criteria provided. Collection method: clinical testing. Allele origin: germline. Not counted in ClinVar's aggregate classification.
Comment: This variant is classified as likely benign based on ACMG/AMP sequence variant interpretation guidelines (Richards et al. 2015 PMID: 25741868, with internal and published modifications).

NM_015057.5(MYCBP2):c.11091C>T (p.Asn3697=)

Genes: MYCBP2 (MYC binding protein 2; minus strand), MYCBP2-AS1 (MYCBP2 antisense RNA 1; plus strand). Cytogenetic location: 13q22.3.
Variant type: single nucleotide variant.
Coding change: c.11091C>T on transcript NM_015057.5 (MANE Select); coding-DNA position 11091, C replaced by T.
Protein change: p.Asn3697=; no amino-acid change (asparagine 3697 retained).
Molecular consequence: synonymous variant.
Genome position (GRCh38, 1-based): chr13:77,081,939, G>A on the plus strand (C>T on the coding strand, the complement: MYCBP2 is on the minus strand). VCF-style: chr13-77081939-G-A. GRCh37 (hg19) VCF-style: chr13-77656074-G-A.
Other names: c.11091C>T (NM_015057.4).
Identifiers: ClinVar variation 2643853 (VCV002643853.25), dbSNP rs61753807, ClinGen allele CA7008196.
Genomic context (GRCh38, chr13:77,081,939, plus strand): 5'-ACTCTCTTCACTATCGCCATCATCTGACTTTGACAAAATATTGTTAATGTGATGAAAGAC[G>A]TTGCTCTGATGAAGGAACTGGTGATCAGATTGCTTGAATTTGAGACTCCAGCACCTAAAA-3'
Protein context (NP_055872.4, residues 3687-3707): QSDHQFLHQS[Asn3697=]VFHHINNILS